The following is an entry in ClinVar:

NM_001972.4(ELANE):c.688G>C (p.Asp230His)

Gene: ELANE (elastase, neutrophil expressed; plus strand). Cytogenetic location: 19p13.3.
Variant type: single nucleotide variant.
Coding change: c.688G>C on transcript NM_001972.4 (MANE Select); coding-DNA position 688, G replaced by C.
Protein change: p.Asp230His; replaces aspartic acid 230 with histidine.
Molecular consequence: missense variant.
Genome position (GRCh38, 1-based): chr19:856,048, G>C. VCF-style: chr19-856048-G-C. GRCh37 (hg19) VCF-style: chr19-856048-G-C.
Other names: short protein forms D230H.
Identifiers: ClinVar variation 1900093 (VCV001900093.5), dbSNP rs747904347, ClinGen allele CA402919159.

ClinVar aggregate classification (germline): Uncertain significance (1 of 4 stars; one submission).

Conditions:
Neutropenia, severe congenital, 1, autosomal dominant. Identifiers: MedGen C1859966, MONDO:0042490, OMIM 202700.
Cyclical neutropenia. Also called: Cyclic Neutropenia; Cyclic hematopoiesis. Identifiers: Orphanet 2686, MedGen C0221023, MONDO:0008090, OMIM 162800, HP:0040289. Disease mechanism: loss of function.

gnomAD v4.1: 2 of 1,613,454 alleles (0.00012%); highest among the groups gnomAD compares: Non-Finnish European, 0.00017%; no homozygotes.

Submission:

Labcorp Genetics (formerly Invitae), Labcorp
Classification: Uncertain significance for Neutropenia, severe congenital, 1, autosomal dominant; Cyclical neutropenia. Last evaluated: 2021-12-23. Review status: criteria provided, single submitter. Criteria: Invitae Variant Classification Sherloc (09022015). Collection method: clinical testing. Allele origin: germline.
Comment: Algorithms developed to predict the effect of missense changes on protein structure and function (SIFT, PolyPhen-2, Align-GVGD) all suggest that this variant is likely to be disruptive. In summary, the available evidence is currently insufficient to determine the role of this variant in disease. Therefore, it has been classified as a Variant of Uncertain Significance. This variant has not been reported in the literature in individuals affected with ELANE-related conditions. This sequence change replaces aspartic acid, which is acidic and polar, with histidine, which is basic and polar, at codon 230 of the ELANE protein (p.Asp230His). This variant is not present in population databases (gnomAD no frequency).